The following is an entry in ClinVar:

NM_000046.5(ARSB):c.206C>T (p.Thr69Met)

Genes: ARSB (arylsulfatase B; minus strand), LOC129994126 (ATAC-STARR-seq lymphoblastoid silent region 16127; plus strand). Cytogenetic location: 5q14.1.
Variant type: single nucleotide variant.
Coding change: c.206C>T on transcript NM_000046.5 (MANE Select); coding-DNA position 206, C replaced by T.
Protein change: p.Thr69Met; replaces threonine 69 with methionine.
Molecular consequence: missense variant.
Genome position (GRCh38, 1-based): chr5:78,985,043, G>A on the plus strand (C>T on the coding strand, the complement: ARSB is on the minus strand). VCF-style: chr5-78985043-G-A. GRCh37 (hg19) VCF-style: chr5-78280866-G-A.
Other names: c.206C>T, p.Thr69Met (NM_198709.3); short protein forms T69M.
Identifiers: ClinVar variation 559736 (VCV000559736.7), dbSNP rs1554032175, ClinGen allele CA360196749.

ClinVar aggregate classification (germline): Conflicting classifications of pathogenicity. Review status: criteria provided, conflicting classifications (1 of 4 stars). 2 submissions from 2 submitters: Likely pathogenic (1); Uncertain significance (1). Last evaluated 2021-10-24.

Conditions:
Mucopolysaccharidosis type 6 (MPS6). Also called: N-ACETYLGALACTOSAMINE-4-SULFATASE DEFICIENCY; MPS VI; MPS 6; Maroteaux Lamy syndrome; ARSB DEFICIENCY; ARYLSULFATASE B DEFICIENCY. Identifiers: Orphanet 583, MedGen C0026709, MONDO:0009661, OMIM 253200.

Allele frequency attached by ClinVar (database versions not stated): gnomAD exomes below 0.00001.
gnomAD v4.1: 1 of 1,542,050 alleles (0.000065%); highest among the groups gnomAD compares: Admixed American, 0.0019%; no homozygotes.

Submissions (2):

Labcorp Genetics (formerly Invitae), Labcorp
Classification: Likely pathogenic for Mucopolysaccharidosis type 6. Last evaluated: 2021-10-24. Review status: criteria provided, single submitter. Criteria: Invitae Variant Classification Sherloc (09022015). Collection method: clinical testing. Allele origin: germline.
Comment: In summary, the currently available evidence indicates that the variant is pathogenic, but additional data are needed to prove that conclusively. Therefore, this variant has been classified as Likely Pathogenic. Advanced modeling of protein sequence and biophysical properties (such as structural, functional, and spatial information, amino acid conservation, physicochemical variation, residue mobility, and thermodynamic stability) performed at Invitae indicates that this missense variant is expected to disrupt ARSB protein function. ClinVar contains an entry for this variant (Variation ID: 559736). This missense change has been observed in individual(s) with mucopolysaccharidosis type VI (PMID: 19968667). This variant is not present in population databases (gnomAD no frequency). This sequence change replaces threonine, which is neutral and polar, with methionine, which is neutral and non-polar, at codon 69 of the ARSB protein (p.Thr69Met).

Laboratory of Diagnosis and Therapy of Lysosomal Disorders, University of Padova
Classification: Uncertain significance for Mucopolysaccharidosis type 6. Last evaluated: 2018-01-01. Review status: criteria provided, single submitter. Criteria: ACMG Guidelines, 2015. Collection method: curation. Allele origin: germline. Affected: yes.
Comment: Absent from GnomAD (PM2);

Literature cited by the submitters: PubMed 19968667 (cited by Labcorp Genetics (formerly Invitae), Labcorp and Laboratory of Diagnosis and Therapy of Lysosomal Disorders, University of Padova); PubMed 30118150 (cited by Laboratory of Diagnosis and Therapy of Lysosomal Disorders, University of Padova).